The following is an entry in ClinVar:

NM_006269.2(RP1):c.1262G>T (p.Ser421Ile)

Gene: RP1 (RP1 axonemal microtubule associated; plus strand). Cytogenetic location: 8q12.1.
Variant type: single nucleotide variant.
Coding change: c.1262G>T on transcript NM_006269.2 (MANE Select); coding-DNA position 1262, G replaced by T.
Protein change: p.Ser421Ile; replaces serine 421 with isoleucine.
Molecular consequence: missense variant. On other transcripts: intron variant (1).
Genome position (GRCh38, 1-based): chr8:54,625,144, G>T. VCF-style: chr8-54625144-G-T. GRCh37 (hg19) VCF-style: chr8-55537704-G-T.
Other names: c.787+2856G>T (NM_001375654.1); short protein forms S421I.
Identifiers: ClinVar variation 957467 (VCV000957467.9), dbSNP rs771928405, ClinGen allele CA4751341.

ClinVar aggregate classification (germline): Uncertain significance (1 of 4 stars; one submission).

Allele frequency attached by ClinVar (database versions not stated): ExAC 0.00001; gnomAD 0.00001; TOPMed 0.00001; gnomAD exomes 0.00002.
gnomAD v4.1: 5 of 1,614,056 alleles (0.00031%); highest among the groups gnomAD compares: Non-Finnish European, 0.00034%; no homozygotes.

Submission:

Labcorp Genetics (formerly Invitae), Labcorp
Classification: Uncertain significance. Last evaluated: 2025-05-04. Review status: criteria provided, single submitter. Criteria: Invitae Variant Classification Sherloc (09022015). Collection method: clinical testing. Allele origin: germline.
Comment: This sequence change replaces serine, which is neutral and polar, with isoleucine, which is neutral and non-polar, at codon 421 of the RP1 protein (p.Ser421Ile). This variant is present in population databases (rs771928405, gnomAD 0.004%). This variant has not been reported in the literature in individuals affected with RP1-related conditions. ClinVar contains an entry for this variant (Variation ID: 957467). An algorithm developed to predict the effect of missense changes on protein structure and function outputs the following: PolyPhen-2: "Benign". The isoleucine amino acid residue is found in multiple mammalian species, which suggests that this missense change does not adversely affect protein function. In summary, the available evidence is currently insufficient to determine the role of this variant in disease. Therefore, it has been classified as a Variant of Uncertain Significance.